The following is an entry in ClinVar:

NM_206933.4(USH2A):c.9906C>T (p.Asn3302=)

Gene: USH2A (usherin; minus strand). Cytogenetic location: 1q41.
Variant type: single nucleotide variant.
Coding change: c.9906C>T on transcript NM_206933.4 (MANE Select); coding-DNA position 9906, C replaced by T.
Protein change: p.Asn3302=; no amino-acid change (asparagine 3302 retained).
Molecular consequence: synonymous variant.
Genome position (GRCh38, 1-based): chr1:215,798,959, G>A on the plus strand (C>T on the coding strand, the complement: USH2A is on the minus strand). VCF-style: chr1-215798959-G-A. GRCh37 (hg19) VCF-style: chr1-215972301-G-A.
Identifiers: ClinVar variation 751314 (VCV000751314.16), dbSNP rs757439664, ClinGen allele CA1394184.

ClinVar aggregate classification (germline): Conflicting classifications of pathogenicity. Review status: criteria provided, conflicting classifications (1 of 4 stars). 5 submissions from 5 submitters: Uncertain significance (1); Likely benign (3). 1 of the submissions does not count toward it. Last evaluated 2025-09-02.

Conditions:
Retinitis pigmentosa 39 (RP39). Identifiers: Orphanet 791, MedGen C3151138, MONDO:0013436, OMIM 613809.
USH2A-related disorder. Also called: USH2A-related condition; USH2A-related disorders. Identifiers: MedGen CN239332.
Usher syndrome type 2A. Also called: RETINAL DISEASE IN USHER SYNDROME TYPE IIA, MODIFIER OF; USHER SYNDROME, TYPE IIA. Identifiers: Orphanet 231178, Orphanet 886, MedGen C1848634, MONDO:0010169, OMIM 276901.

Allele frequency attached by ClinVar (database versions not stated): gnomAD 0.00001; gnomAD exomes 0.00002 and 0.00003; TOPMed 0.00002; ExAC 0.00003.
gnomAD v4.1: 29 of 1,613,916 alleles (0.0018%); highest among the groups gnomAD compares: Middle Eastern, 0.016%; no homozygotes.

Submissions (5):

Labcorp Genetics (formerly Invitae), Labcorp
Classification: Likely benign. Last evaluated: 2025-09-02. Review status: criteria provided, single submitter. Criteria: Invitae Variant Classification Sherloc (09022015). Collection method: clinical testing. Allele origin: germline.

PreventionGenetics, part of Exact Sciences
Classification: Likely benign for USH2A-related condition. Last evaluated: 2024-11-08. Review status: criteria provided, single submitter. Criteria: ACMG Guidelines, 2015. Collection method: clinical testing. Allele origin: germline.
Comment: This variant is classified as likely benign based on ACMG/AMP sequence variant interpretation guidelines (Richards et al. 2015 PMID: 25741868, with internal and published modifications).

Baylor Genetics
Classification: Uncertain significance for Retinitis pigmentosa 39. Last evaluated: 2020-12-18. Review status: criteria provided, single submitter. Criteria: ACMG Guidelines, 2015. Collection method: clinical testing. Allele origin: unknown. Affected: yes.
Comment: This variant was determined to be of uncertain significance according to ACMG Guidelines, 2015 [PMID:25741868].

GeneDx
Classification: Likely benign. Last evaluated: 2018-09-13. Review status: criteria provided, single submitter. Criteria: GeneDx Variant Classification Process June 2021. Collection method: clinical testing. Allele origin: germline. Affected: yes.

Natera, Inc.
Classification: Uncertain significance for Usher syndrome type 2A. Last evaluated: 2020-03-17. Review status: no assertion criteria provided. Collection method: clinical testing. Allele origin: germline. Not counted in ClinVar's aggregate classification.